The following is an entry in ClinVar:

NM_000322.5(PRPH2):c.700dup (p.Tyr234fs)

Gene: PRPH2 (peripherin 2; minus strand). Cytogenetic location: 6p21.1.
Variant type: Duplication.
Coding change: c.700dup on transcript NM_000322.5 (MANE Select); coding-DNA position 700, one base duplicated (T; older notation c.700dupT).
Protein change: p.Tyr234fs; shifts the reading frame from tyrosine 234.
Molecular consequence: frameshift variant.
Genome position (GRCh38, 1-based): chr6:42,704,493, A duplicated on the plus strand (T on the coding strand, the reverse complement: PRPH2 is on the minus strand). VCF-style (leftmost placement, unchanged base first): chr6-42704492-T-TA. GRCh37 (hg19) VCF-style: chr6-42672230-T-TA.
Other names: c.700dup (NM_000322.4); short protein forms Y234fs.
Identifiers: ClinVar variation 98701 (VCV000098701.3), dbSNP rs61755812, ClinGen allele CA226297.
Genomic context (GRCh38, chr6:42,704,492, plus strand): 5'-AGGGCAGCCCTGCAGCCACGCACCCACAGGTTGAGCTCCTCCGTCTGGTGGTCGTAACTG[T>TA]AGTGTGCTGAGTTGTTGGTGATCTGATACTGGATGCAGGGCCGTGGCGAGCTAGGATTGC-3'

ClinVar aggregate classification (germline): Pathogenic. Review status: criteria provided, single submitter (1 of 4 stars). 3 submissions from 3 submitters: Pathogenic (1). 2 of the submissions do not count toward it. Last evaluated 2022-05-28.

Conditions:
PRPH2-related disorder. Also called: PRPH2-related disorders; PRPH2-related condition. Identifiers: MedGen CN239395.

Allele frequency attached by ClinVar (database versions not stated): gnomAD exomes below 0.00001.

Submissions (3):

Blueprint Genetics
Classification: Pathogenic for PRPH2-related disorders. Last evaluated: 2022-05-28. Review status: criteria provided, single submitter. Criteria: ACMG Guidelines, 2015. Collection method: clinical testing. Allele origin: germline. Affected: yes. Observed: 1 variant allele.

Leiden Open Variation Database
Classification: Pathogenic. Last evaluated: 2021-04-06. Review status: no assertion criteria provided. Collection method: curation. Allele origin: germline. Affected: yes. Not counted in ClinVar's aggregate classification.
Comment: Curator: Global Variome, with Curator vacancy. Submitter to LOVD: Manon Peeters.

Retina International
No classification provided. Review status: no classification provided. Collection method: not provided. Allele origin: not provided. Not counted in ClinVar's aggregate classification.

Literature cited by the submitters: PubMed 9443872 (cited by Leiden Open Variation Database).